The following is an entry in ClinVar:

NM_024548.4(CEP97):c.419G>A (p.Gly140Asp)

Gene: CEP97 (centrosomal protein 97; plus strand). Cytogenetic location: 3q12.3.
Variant type: single nucleotide variant.
Coding change: c.419G>A on transcript NM_024548.4 (MANE Select); coding-DNA position 419, G replaced by A.
Protein change: p.Gly140Asp; replaces glycine 140 with aspartic acid.
Molecular consequence: missense variant. On other transcripts: intron variant (2).
Genome position (GRCh38, 1-based): chr3:101,728,909, G>A. VCF-style: chr3-101728909-G-A. GRCh37 (hg19) VCF-style: chr3-101447753-G-A.
Other names: c.419G>A, p.Gly140Asp (NM_001303401.2); c.345+1368G>A (NM_001410784.1, NM_001410785.1); c.419G>A (NM_024548.2); short protein forms G140D.
Identifiers: ClinVar variation 3703233 (VCV003703233.3).

ClinVar aggregate classification (germline): Uncertain significance. Review status: criteria provided, multiple submitters, no conflicts (2 of 4 stars). 2 submissions from 2 submitters: Uncertain significance (2). Last evaluated 2025-11-02.

Submissions (2):

Ambry Genetics
Classification: Uncertain significance. Last evaluated: 2025-11-02. Review status: criteria provided, single submitter. Criteria: Ambry Variant Classification Scheme 2023. Collection method: clinical testing. Allele origin: germline.

Labcorp Genetics (formerly Invitae), Labcorp
Classification: Uncertain significance. Last evaluated: 2024-09-13. Review status: criteria provided, single submitter. Criteria: Invitae Variant Classification Sherloc (09022015). Collection method: clinical testing. Allele origin: germline.
Comment: This sequence change replaces glycine, which is neutral and non-polar, with aspartic acid, which is acidic and polar, at codon 140 of the CEP97 protein (p.Gly140Asp). This variant is present in population databases (no rsID available, gnomAD 0.003%). This variant has not been reported in the literature in individuals affected with CEP97-related conditions. Invitae Evidence Modeling of protein sequence and biophysical properties (such as structural, functional, and spatial information, amino acid conservation, physicochemical variation, residue mobility, and thermodynamic stability) indicates that this missense variant is not expected to disrupt CEP97 protein function with a negative predictive value of 80%. In summary, the available evidence is currently insufficient to determine the role of this variant in disease. Therefore, it has been classified as a Variant of Uncertain Significance.